The following is an entry in ClinVar:

ClinVar aggregate classification (germline): Uncertain significance. Review status: criteria provided, multiple submitters, no conflicts (2 of 4 stars). 3 submissions from 3 submitters: Uncertain significance (3). Last evaluated 2025-08-04.

Conditions:
Inborn genetic diseases. Identifiers: MedGen C0950123, MeSH D030342.
Imerslund-Grasbeck syndrome type 1 (IGS1). Also called: Megaloblastic anemia 1, Finnish type; MEGALOBLASTIC ANEMIA, 1; Imerslund-Gräsbeck syndrome 1. Identifiers: MedGen C4016819, MONDO:0100156, OMIM 261100.
Proteinuria, chronic benign. Identifiers: MedGen C5394384, MONDO:0030042, OMIM 618884.
Imerslund-Grasbeck syndrome. Also called: ENTEROCYTE COBALAMIN MALABSORPTION; ENTEROCYTE INTRINSIC FACTOR RECEPTOR, DEFECT OF; PERNICIOUS ANEMIA, JUVENILE, DUE TO SELECTIVE INTESTINAL MALABSORPTION OF VITAMIN B12, WITH PROTEINURIA; Megaloblastic anemia due to inborn errors of metabolism; Imerslund-Gräsbeck syndrome. Identifiers: Orphanet 35858, MedGen C4551825, MONDO:0009853.

Allele frequency attached by ClinVar (database versions not stated): ESP Exome Variant Server 0.00023; gnomAD 0.00025; TOPMed 0.00029; ExAC 0.00009; gnomAD exomes 0.00003.
gnomAD v4.1: 78 of 1,612,686 alleles (0.0048%); highest among the groups gnomAD compares: African/African-American, 0.093%; no homozygotes.

Submissions (3):

Ambry Genetics
Classification: Uncertain significance for Inborn genetic diseases. Last evaluated: 2025-08-04. Review status: criteria provided, single submitter. Criteria: Ambry Variant Classification Scheme 2023. Collection method: clinical testing. Allele origin: germline.

Labcorp Genetics (formerly Invitae), Labcorp
Classification: Uncertain significance for Imerslund-Grasbeck syndrome. Last evaluated: 2024-10-02. Review status: criteria provided, single submitter. Criteria: Invitae Variant Classification Sherloc (09022015). Collection method: clinical testing. Allele origin: germline.
Comment: This sequence change replaces leucine, which is neutral and non-polar, with phenylalanine, which is neutral and non-polar, at codon 1625 of the CUBN protein (p.Leu1625Phe). This variant is present in population databases (rs201801709, gnomAD 0.08%). This variant has not been reported in the literature in individuals affected with CUBN-related conditions. ClinVar contains an entry for this variant (Variation ID: 2224886). Invitae Evidence Modeling of protein sequence and biophysical properties (such as structural, functional, and spatial information, amino acid conservation, physicochemical variation, residue mobility, and thermodynamic stability) indicates that this missense variant is not expected to disrupt CUBN protein function with a negative predictive value of 80%. In summary, the available evidence is currently insufficient to determine the role of this variant in disease. Therefore, it has been classified as a Variant of Uncertain Significance.

Fulgent Genetics
Classification: Uncertain significance for Imerslund-Grasbeck syndrome type 1; Proteinuria, chronic benign. Last evaluated: 2024-01-02. Review status: criteria provided, single submitter. Criteria: ACMG Guidelines, 2015. Collection method: clinical testing. Allele origin: germline.

NM_001081.4(CUBN):c.4873C>T (p.Leu1625Phe)

Gene: CUBN (cubilin; minus strand). Cytogenetic location: 10p13.
Variant type: single nucleotide variant.
Coding change: c.4873C>T on transcript NM_001081.4 (MANE Select); coding-DNA position 4873, C replaced by T.
Protein change: p.Leu1625Phe; replaces leucine 1625 with phenylalanine.
Molecular consequence: missense variant.
Genome position (GRCh38, 1-based): chr10:16,952,372, G>A on the plus strand (C>T on the coding strand, the complement: CUBN is on the minus strand). VCF-style: chr10-16952372-G-A. GRCh37 (hg19) VCF-style: chr10-16994371-G-A.
Other names: short protein forms L1625F.
Identifiers: ClinVar variation 2224886 (VCV002224886.5), dbSNP rs201801709, ClinGen allele CA5424219.